The following is an entry in ClinVar:

NM_006059.4(LAMC3):c.2687G>A (p.Arg896Gln)

Gene: LAMC3 (laminin subunit gamma 3; plus strand). Cytogenetic location: 9q34.12.
Variant type: single nucleotide variant.
Coding change: c.2687G>A on transcript NM_006059.4 (MANE Select); coding-DNA position 2687, G replaced by A.
Protein change: p.Arg896Gln; replaces arginine 896 with glutamine.
Molecular consequence: missense variant.
Genome position (GRCh38, 1-based): chr9:131,068,171, G>A. VCF-style: chr9-131068171-G-A. GRCh37 (hg19) VCF-style: chr9-133943558-G-A.
Other names: short protein forms R896Q.
Identifiers: ClinVar variation 1403435 (VCV001403435.4), dbSNP rs200121474, ClinGen allele CA5287532.

ClinVar aggregate classification (germline): Uncertain significance (1 of 4 stars; one submission).

Allele frequency attached by ClinVar (database versions not stated): ESP Exome Variant Server 0.00008; 1000 Genomes Project 30x 0.00016; 1000 Genomes Project 0.00020.
gnomAD v4.1: 102 of 1,613,202 alleles (0.0063%); highest among the groups gnomAD compares: East Asian, 0.17%; 1 homozygote.

Submission:

Labcorp Genetics (formerly Invitae), Labcorp
Classification: Uncertain significance. Last evaluated: 2024-06-25. Review status: criteria provided, single submitter. Criteria: Invitae Variant Classification Sherloc (09022015). Collection method: clinical testing. Allele origin: germline.
Comment: This sequence change replaces arginine, which is basic and polar, with glutamine, which is neutral and polar, at codon 896 of the LAMC3 protein (p.Arg896Gln). This variant is present in population databases (rs200121474, gnomAD 0.07%). This variant has not been reported in the literature in individuals affected with LAMC3-related conditions. ClinVar contains an entry for this variant (Variation ID: 1403435). An algorithm developed to predict the effect of missense changes on protein structure and function (PolyPhen-2) suggests that this variant is likely to be disruptive. In summary, the available evidence is currently insufficient to determine the role of this variant in disease. Therefore, it has been classified as a Variant of Uncertain Significance.